The following is an entry in ClinVar:

ClinVar aggregate classification (germline): Uncertain significance (1 of 4 stars; one submission).

Conditions:
Familial Mediterranean fever (FMF). Also called: POLYSEROSITIS, FAMILIAL PAROXYSMAL; POLYSEROSITIS, RECURRENT; Periodic peritonitis; Benign paroxysmal peritonitis. Identifiers: Orphanet 342, MedGen C0031069, MONDO:0018088, OMIM 249100. Disease mechanism: gain of function.

Allele frequency attached by ClinVar (database versions not stated): gnomAD exomes below 0.00001.
gnomAD v4.1: 2 of 1,611,834 alleles (0.00012%); highest among the groups gnomAD compares: South Asian, 0.0022%; no homozygotes.

Submission:

Labcorp Genetics (formerly Invitae), Labcorp
Classification: Uncertain significance for Familial Mediterranean fever. Last evaluated: 2021-03-26. Review status: criteria provided, single submitter. Criteria: Invitae Variant Classification Sherloc (09022015). Collection method: clinical testing. Allele origin: germline.
Comment: This sequence change replaces serine with proline at codon 645 of the MEFV protein (p.Ser645Pro). The serine residue is weakly conserved and there is a moderate physicochemical difference between serine and proline. In summary, the available evidence is currently insufficient to determine the role of this variant in disease. Therefore, it has been classified as a Variant of Uncertain Significance. Algorithms developed to predict the effect of missense changes on protein structure and function are either unavailable or do not agree on the potential impact of this missense change (SIFT: "Tolerated"; PolyPhen-2: "Probably Damaging"; Align-GVGD: "Class C0"). This variant has not been reported in the literature in individuals with MEFV-related conditions. This variant is not present in population databases (ExAC no frequency).

NM_000243.3(MEFV):c.1933T>C (p.Ser645Pro)

Genes: MEFV (MEFV innate immunity regulator, pyrin; minus strand), LOC126862264 (CDK7 strongly-dependent group 2 enhancer GRCh37_chr16:3293322-3294521; plus strand). Cytogenetic location: 16p13.3.
Variant type: single nucleotide variant.
Coding change: c.1933T>C on transcript NM_000243.3 (MANE Select); coding-DNA position 1933, T replaced by C.
Protein change: p.Ser645Pro; replaces serine 645 with proline.
Molecular consequence: missense variant. On other transcripts: 3 prime UTR variant (1).
Genome position (GRCh38, 1-based): chr16:3,243,554, A>G on the plus strand (T>C on the coding strand, the complement: MEFV is on the minus strand). VCF-style: chr16-3243554-A-G. GRCh37 (hg19) VCF-style: chr16-3293554-A-G.
Other names: c.*137T>C (NM_001198536.2); short protein forms S645P.
Identifiers: ClinVar variation 1520034 (VCV001520034.8), dbSNP rs2141665051, ClinGen allele CA394487602.